The following is an entry in ClinVar:

NM_021115.5(SEZ6L):c.2574G>A (p.Trp858Ter)

Gene: SEZ6L (seizure related 6 homolog like; plus strand). Cytogenetic location: 22q12.1.
Variant type: single nucleotide variant.
Coding change: c.2574G>A on transcript NM_021115.5 (MANE Select); coding-DNA position 2574, G replaced by A.
Protein change: p.Trp858Ter; replaces tryptophan 858 with a stop codon.
Molecular consequence: nonsense. On other transcripts: intron variant (1).
Genome position (GRCh38, 1-based): chr22:26,351,218, G>A. VCF-style: chr22-26351218-G-A. GRCh37 (hg19) VCF-style: chr22-26747184-G-A.
Other names: c.2574G>A, p.Trp858Ter (NM_001184773.2, NM_001184774.2, NM_001184775.2 and 1 more transcripts); c.2407+3305G>A (NM_001184776.2); short protein forms W858*.
Identifiers: ClinVar variation 4819298 (VCV004819298.1).

ClinVar aggregate classification (germline): Likely pathogenic (1 of 4 stars; one submission).

Conditions:
Autism (AUTS). Also called: Autistic disorder; Autistic disorder of childhood onset. Identifiers: MedGen C0004352, MeSH D001321, MONDO:0005260, OMIM 209850, HP:0000717.

Submission:

Qatar Biomedical Research Institute, Hamad Bin Khalifa University
Classification: Likely pathogenic for Autism. Last evaluated: 2026-03-01. Review status: criteria provided, single submitter. Criteria: ACMG Guidelines, 2015. Collection method: research. Allele origin: paternal. Inheritance: Autosomal dominant inheritance. Affected: yes.
Comment: A variant was identified in the SEZ6L gene (NM_021115.5: c.2574G>A; p.Trp858Ter). The c.2574G>A variant is not present in the major human genome variation database gnomAD, and has not been previously reported in the Tunisian population.